The following is an entry in ClinVar:

ClinVar aggregate classification (germline): Uncertain significance (1 of 4 stars; one submission).

Allele frequency attached by ClinVar (database versions not stated): gnomAD exomes below 0.00001; TOPMed 0.00002.
gnomAD v4.1: 2 of 1,211,155 alleles (0.00017%); highest among the groups gnomAD compares: Admixed American, 0.0022%; no homozygotes.

Submission:

Labcorp Genetics (formerly Invitae), Labcorp
Classification: Uncertain significance. Last evaluated: 2024-01-11. Review status: criteria provided, single submitter. Criteria: Invitae Variant Classification Sherloc (09022015). Collection method: clinical testing. Allele origin: germline.
Comment: This sequence change creates a premature translational stop signal (p.Leu536*) in the TBC1D8B gene. It is expected to result in an absent or disrupted protein product. However, the current clinical and genetic evidence is not sufficient to establish whether loss-of-function variants in TBC1D8B cause disease. This variant is present in population databases (no rsID available, gnomAD 0.004%). This variant has not been reported in the literature in individuals affected with TBC1D8B-related conditions. In summary, the available evidence is currently insufficient to determine the role of this variant in disease. Therefore, it has been classified as a Variant of Uncertain Significance.

NM_017752.3(TBC1D8B):c.1607T>A (p.Leu536Ter)

Gene: TBC1D8B (TBC1 domain family member 8B; plus strand). Cytogenetic location: Xq22.3.
Variant type: single nucleotide variant.
Coding change: c.1607T>A on transcript NM_017752.3 (MANE Select); coding-DNA position 1607, T replaced by A.
Protein change: p.Leu536Ter; replaces leucine 536 with a stop codon.
Molecular consequence: nonsense.
Genome position (GRCh38, 1-based): chrX:106,840,772, T>A. VCF-style: chrX-106840772-T-A. GRCh37 (hg19) VCF-style: chrX-106084002-T-A.
Other names: c.1607T>A, p.Leu536Ter (NM_198881.2); short protein forms L536*.
Identifiers: ClinVar variation 2999339 (VCV002999339.3), dbSNP rs1463289330, ClinGen allele CA413804418.
Genomic context (GRCh38, chrX:106,840,772, plus strand): 5'-AAGTGGTTGAGCAGTCCTTAGGGACCTGCAACTTGGCTACTGAAGAAATTGAACGTGATT[T>A]ACGTCGCTCTCTGCCTGAGCACCCAGCCTTTCAGAGTGATACTGGCATATCTGCTCTGAG-3'